The following is an entry in ClinVar:

NM_006118.4(HAX1):c.704G>A (p.Arg235Gln)

Gene: HAX1 (HCLS1 associated protein X-1; plus strand). Cytogenetic location: 1q21.3.
Variant type: single nucleotide variant.
Coding change: c.704G>A on transcript NM_006118.4 (MANE Select); coding-DNA position 704, G replaced by A.
Protein change: p.Arg235Gln; replaces arginine 235 with glutamine.
Molecular consequence: missense variant.
Genome position (GRCh38, 1-based): chr1:154,275,433, G>A. VCF-style: chr1-154275433-G-A. GRCh37 (hg19) VCF-style: chr1-154247909-G-A.
Other names: c.560G>A, p.Arg187Gln (NM_001018837.2); short protein forms R187Q, R235Q.
Identifiers: ClinVar variation 964879 (VCV000964879.7), dbSNP rs139138892, ClinGen allele CA1127444.
Genomic context (GRCh38, chr1:154,275,433, plus strand): 5'-GTGGGGACTTCTCTTTGTAGATAGTGGAGGAGCGCCGGACTGTGGTGGACAGTGAGGGCC[G>A]GACAGAGACTACAGTAACCCGACACGAAGCAGATAGCAGTCCTAGGGGTGGTAAGTTAAA-3'
Protein context (NP_006109.2, residues 225-245): ERRTVVDSEG[Arg235Gln]TETTVTRHEA

ClinVar aggregate classification (germline): Uncertain significance. Review status: criteria provided, multiple submitters, no conflicts (2 of 4 stars). 3 submissions from 3 submitters: Uncertain significance (2). 1 of the submissions does not count toward it. Last evaluated 2024-11-28.

Conditions:
Inborn genetic diseases. Identifiers: MedGen C0950123, MeSH D030342.
Kostmann syndrome (SCN3). Also called: KOSTMANN DISEASE; Autosomal recessive severe congenital neutropenia type 3. Identifiers: Orphanet 99749, MedGen C5235141, MONDO:0012548, OMIM 610738.

Allele frequency attached by ClinVar (database versions not stated): gnomAD 0.00003; TOPMed 0.00005; ESP Exome Variant Server 0.00015.
gnomAD v4.1: 82 of 1,613,996 alleles (0.0051%); highest among the groups gnomAD compares: Non-Finnish European, 0.0063%; no homozygotes.

Submissions (3):

Ambry Genetics
Classification: Uncertain significance for Inborn genetic diseases. Last evaluated: 2024-11-28. Review status: criteria provided, single submitter. Criteria: Ambry Variant Classification Scheme 2023. Collection method: clinical testing. Allele origin: germline.
Comment: The p.R235Q variant (also known as c.704G>A), located in coding exon 6 of the HAX1 gene, results from a G to A substitution at nucleotide position 704. The arginine at codon 235 is replaced by glutamine, an amino acid with highly similar properties. This amino acid position is conserved. In addition, this alteration is predicted to be tolerated by in silico analysis. Based on the available evidence, the clinical significance of this variant remains unclear.

Labcorp Genetics (formerly Invitae), Labcorp
Classification: Uncertain significance for Kostmann syndrome. Last evaluated: 2022-07-19. Review status: criteria provided, single submitter. Criteria: Invitae Variant Classification Sherloc (09022015). Collection method: clinical testing. Allele origin: germline.
Comment: This sequence change replaces arginine, which is basic and polar, with glutamine, which is neutral and polar, at codon 235 of the HAX1 protein (p.Arg235Gln). This variant is present in population databases (rs139138892, gnomAD 0.006%). This variant has not been reported in the literature in individuals affected with HAX1-related conditions. ClinVar contains an entry for this variant (Variation ID: 964879). Algorithms developed to predict the effect of missense changes on protein structure and function (SIFT, PolyPhen-2, Align-GVGD) all suggest that this variant is likely to be tolerated. In summary, the available evidence is currently insufficient to determine the role of this variant in disease. Therefore, it has been classified as a Variant of Uncertain Significance.

Natera, Inc.
Classification: Uncertain significance for Autosomal recessive severe congenital neutropenia type 3. Last evaluated: 2020-10-22. Review status: no assertion criteria provided. Collection method: clinical testing. Allele origin: germline. Not counted in ClinVar's aggregate classification.